The following is an entry in ClinVar:

NM_000093.5(COL5A1):c.1246TACTACGACCCC[3] (p.416YYDP[3])

Gene: COL5A1 (collagen type V alpha 1 chain; plus strand). Cytogenetic location: 9q34.3.
Variant type: Microsatellite.
Coding change: c.1246TACTACGACCCC[3] on transcript NM_000093.5 (MANE Select); three copies in a row of the 12-base unit TACTACGACCCC starting at c.1246; the reference has two copies in a row; one copy, 12 bases duplicated.
Protein change: p.416YYDP[3].
Molecular consequence: inframe insertion.
Genome position (GRCh38, 1-based): chr9:134,731,589-134,731,600, TACTACGACCCC duplicated; duplicating any 12 consecutive bases within chr9:134,731,576-134,731,600 gives the same sequence; the position shown is the placement nearest the transcript's 3' end. VCF-style (leftmost placement, unchanged base first): chr9-134731575-A-ACTACTACGACCC. GRCh37 (hg19) VCF-style: chr9-137623421-A-ACTACTACGACCC.
Other names: c.1258_1269dupTACTACGACCCC (NM_000093.4); c.1246TACTACGACCCC[3], p.416YYDP[3] (NM_001278074.1).
Identifiers: ClinVar variation 639730 (VCV000639730.10), dbSNP rs745934765, ClinGen allele CA5318688.
Genomic context (GRCh38, chr9:134,731,575, plus strand): 5'-AAGGTGCGGATGACTTGGAGGGGGAGTTCACTGAGGAAACGATCCGGAACCTTGACGAGA[A>ACTACTACGACCC]CTACTACGACCCCTACTACGACCCCACCAGCTCCCCGTCGGAGATCGGGCCGGGAATGCC-3'

ClinVar aggregate classification (germline): Uncertain significance. Review status: criteria provided, multiple submitters, no conflicts (2 of 4 stars). 2 submissions from 2 submitters: Uncertain significance (2). Last evaluated 2023-06-10.

Conditions:
Ehlers-Danlos syndrome, classic type, 1 (EDSCL1). Also called: EDS I; EHLERS-DANLOS SYNDROME, GRAVIS TYPE; EHLERS-DANLOS SYNDROME, SEVERE CLASSIC TYPE; Ehlers-Danlos Syndrome, Classic Type, COL5A1-Related; Ehlers-Danlos syndrome, type 1. Identifiers: MedGen C0268335, MONDO:0019567, OMIM 130000.

Submissions (2):

Labcorp Genetics (formerly Invitae), Labcorp
Classification: Uncertain significance for Ehlers-Danlos syndrome, classic type, 1. Last evaluated: 2023-06-10. Review status: criteria provided, single submitter. Criteria: Invitae Variant Classification Sherloc (09022015). Collection method: clinical testing. Allele origin: germline.
Comment: This variant is present in population databases (rs745934765, gnomAD 0.01%). This variant has not been reported in the literature in individuals affected with COL5A1-related conditions. ClinVar contains an entry for this variant (Variation ID: 639730). Experimental studies and prediction algorithms are not available or were not evaluated, and the functional significance of this variant is currently unknown. This variant, c.1258_1269dup, results in the insertion of 4 amino acid(s) of the COL5A1 protein (p.Tyr420_Pro423dup), but otherwise preserves the integrity of the reading frame. In summary, the available evidence is currently insufficient to determine the role of this variant in disease. Therefore, it has been classified as a Variant of Uncertain Significance.

GeneDx
Classification: Uncertain significance. Last evaluated: 2019-09-19. Review status: criteria provided, single submitter. Criteria: GeneDx Variant Classification Process June 2021. Collection method: clinical testing. Allele origin: germline. Affected: yes.
Comment: Has not been previously published as pathogenic or benign to our knowledge; Not observed at a significant frequency in large population cohorts (Lek et al., 2016); In silico analysis, which includes protein predictors and evolutionary conservation, supports that this variant does not alter protein structure/function; In-frame duplication of 4 amino acids in a non-repeat region